The following is an entry in ClinVar:

ClinVar aggregate classification (germline): Uncertain significance (1 of 4 stars; one submission).

Conditions:
Hereditary hemorrhagic telangiectasia (HHT). Also called: ORW DISEASE; Osler Weber Rendu syndrome; OSLER-RENDU-WEBER DISEASE; Osler hemorrhagic telangiectasia syndrome. Identifiers: Orphanet 774, MedGen C0039445, MONDO:0019180. Disease mechanism: loss of function.

Submission:

Labcorp Genetics (formerly Invitae), Labcorp
Classification: Uncertain significance for Hereditary hemorrhagic telangiectasia. Last evaluated: 2023-08-27. Review status: criteria provided, single submitter. Criteria: Invitae Variant Classification Sherloc (09022015). Collection method: clinical testing. Allele origin: germline.
Comment: In summary, the available evidence is currently insufficient to determine the role of this variant in disease. Therefore, it has been classified as a Variant of Uncertain Significance. Advanced modeling of protein sequence and biophysical properties (such as structural, functional, and spatial information, amino acid conservation, physicochemical variation, residue mobility, and thermodynamic stability) performed at Invitae indicates that this missense variant is not expected to disrupt ENG protein function. This variant has not been reported in the literature in individuals affected with ENG-related conditions. This variant is not present in population databases (gnomAD no frequency). This sequence change replaces serine, which is neutral and polar, with threonine, which is neutral and polar, at codon 580 of the ENG protein (p.Ser580Thr).

NM_001114753.3(ENG):c.1738T>A (p.Ser580Thr)

Genes: ENG (endoglin; minus strand), LOC102723566 (uncharacterized LOC102723566; plus strand). Cytogenetic location: 9q34.11.
Variant type: single nucleotide variant.
Coding change: c.1738T>A on transcript NM_001114753.3 (MANE Select); coding-DNA position 1738, T replaced by A.
Protein change: p.Ser580Thr; replaces serine 580 with threonine.
Molecular consequence: missense variant. On other transcripts: non-coding transcript variant (1).
Genome position (GRCh38, 1-based): chr9:127,817,152, A>T on the plus strand (T>A on the coding strand, the complement: ENG is on the minus strand). VCF-style: chr9-127817152-A-T. GRCh37 (hg19) VCF-style: chr9-130579431-A-T.
Other names: c.1738T>A, p.Ser580Thr (NM_000118.4); c.1192T>A, p.Ser398Thr (NM_001278138.2); short protein forms S398T, S580T.
Identifiers: ClinVar variation 2754789 (VCV002754789.3), dbSNP rs1376040521, ClinGen allele CA374973375.